The following is an entry in ClinVar:

ClinVar aggregate classification (germline): Uncertain significance (1 of 4 stars; one submission).

Conditions:
Intellectual developmental disorder, autosomal dominant 22. Also called: Intellectual disability, autosomal dominant 22. Identifiers: MedGen CN029689, MONDO:0012869, OMIM 612337.

Submission:

Juno Genomics, Hangzhou Juno Genomics, Inc
Classification: Uncertain significance for Intellectual developmental disorder, autosomal dominant 22. Review status: criteria provided, single submitter. Criteria: ACMG Guidelines, 2015. Collection method: clinical testing. Allele origin: germline.
Comment: Absent from controls (or at extremely low frequency if recessive) in Genome Aggregation Database.;Missense variant in a gene that has a low rate of benign missense variation.

NM_205768.3(ZBTB18):c.1168A>C (p.Ser390Arg)

Gene: ZBTB18 (zinc finger and BTB domain containing 18; plus strand). Cytogenetic location: 1q44.
Variant type: single nucleotide variant.
Coding change: c.1168A>C on transcript NM_205768.3 (MANE Select); coding-DNA position 1168, A replaced by C.
Protein change: p.Ser390Arg; replaces serine 390 with arginine.
Molecular consequence: missense variant. On other transcripts: 3 prime UTR variant (1).
Genome position (GRCh38, 1-based): chr1:244,054,942, A>C. VCF-style: chr1-244054942-A-C. GRCh37 (hg19) VCF-style: chr1-244218244-A-C.
Other names: c.1141A>C, p.Ser381Arg (NM_001278196.2, NM_006352.5); c.*345A>C (NM_001421566.1); short protein forms S381R, S390R.
Identifiers: ClinVar variation 5006424 (VCV005006424.2).
Genomic context (GRCh38, chr1:244,054,942, plus strand): 5'-AACATCCTGAGCCCCGCGGGCCAGATCTTCATGTGCCCCCTGTGCAACAAGGTCTTCCCC[A>C]GCCCCCACATCCTGCAGATCCACCTGAGCACGCACTTCCGCGAGCAGGACGGCATCCGCA-3'
Protein context (NP_991331.1, residues 380-400): MCPLCNKVFP[Ser390Arg]PHILQIHLST